The following is an entry in ClinVar:

NC_000023.10:g.(?_32663061)_(32717430_?)dup

Gene: DMD (dystrophin; minus strand). Cytogenetic location: Xp21.1.
Variant type: Duplication.
Identifiers: ClinVar variation 2424994 (VCV002424994.5).

ClinVar aggregate classification (germline): Pathogenic (1 of 4 stars; one submission).

Conditions:
Duchenne muscular dystrophy (DMD). Also called: Duchenne Muscular Dystrophy (DMD); MUSCULAR DYSTROPHY, PSEUDOHYPERTROPHIC PROGRESSIVE, DUCHENNE TYPE. Identifiers: Orphanet 98896, MedGen C0013264, MONDO:0010679, OMIM 310200.

Submission:

Labcorp Genetics (formerly Invitae), Labcorp
Classification: Pathogenic for Duchenne muscular dystrophy. Last evaluated: 2022-11-08. Review status: criteria provided, single submitter. Criteria: Invitae Variant Classification Sherloc (09022015). Collection method: clinical testing. Allele origin: germline.
Comment: For these reasons, this variant has been classified as Pathogenic. A similar copy number variant has been observed in individuals with DMD-related conditions (PMID: 17561468, 18663755). This variant results in a copy number gain of the genomic region encompassing exon(s) 8-10 of the DMD gene. While the exact position of this variant cannot be determined from the data, sub-genic copy number gains are generally in tandem (PMID: 25640679). This variant is predicted to be out-of-frame, and may result in an absent or disrupted protein product. Loss-of-function variants in DMD are known to be pathogenic (PMID: 16770791, 25007885).

Literature cited by the submitters: PubMed 17561468; PubMed 18663755; PubMed 25640679; PubMed 16770791; PubMed 25007885.